The following is an entry in ClinVar:

ClinVar aggregate classification (germline): Likely benign (1 of 4 stars; one submission).

Submission:

CeGaT Center for Human Genetics Tuebingen
Classification: Likely benign. Last evaluated: 2025-08-01. Review status: criteria provided, single submitter. Criteria: CeGaT Center For Human Genetics Tuebingen Variant Classification Criteria Version 2. Collection method: clinical testing. Allele origin: germline. Affected: yes. Observed: 1 variant allele.
Comment: MYT1L: BP4

NM_001303052.2(MYT1L):c.153-7dup

Gene: MYT1L (myelin transcription factor 1 like; minus strand). Cytogenetic location: 2p25.3.
Variant type: Duplication.
Coding change: c.153-7dup on transcript NM_001303052.2 (MANE Select); 7 bases into the intron before coding-DNA position 153, one base duplicated (T; older notation c.153-7dupT).
Molecular consequence: intron variant.
Genome position (GRCh38, 1-based): chr2:1,943,341, A duplicated on the plus strand (T on the coding strand, the reverse complement: MYT1L is on the minus strand); the first of 7 consecutive A bases (chr2:1,943,341-1,943,347); duplicating any one gives the same sequence. VCF-style (leftmost placement, unchanged base first): chr2-1943340-T-TA. GRCh37 (hg19) VCF-style: chr2-1947112-T-TA.
Other names: c.153-7dup (NM_001329849.3, NM_001329851.3, NM_001329846.3 and 6 more transcripts).
Identifiers: ClinVar variation 4086035 (VCV004086035.8).